The following is an entry in ClinVar:

ClinVar aggregate classification (germline): Uncertain significance (1 of 4 stars; one submission).

Submission:

Labcorp Genetics (formerly Invitae), Labcorp
Classification: Uncertain significance. Last evaluated: 2022-02-08. Review status: criteria provided, single submitter. Criteria: Invitae Variant Classification Sherloc (09022015). Collection method: clinical testing. Allele origin: germline.
Comment: This variant is not present in population databases (gnomAD no frequency). In summary, the available evidence is currently insufficient to determine the role of this variant in disease. Therefore, it has been classified as a Variant of Uncertain Significance. Algorithms developed to predict the effect of missense changes on protein structure and function are either unavailable or do not agree on the potential impact of this missense change (SIFT: "Deleterious"; PolyPhen-2: "Benign"; Align-GVGD: "Class C0"). This variant has not been reported in the literature in individuals affected with ZNF513-related conditions. This sequence change replaces serine, which is neutral and polar, with glycine, which is neutral and non-polar, at codon 7 of the ZNF513 protein (p.Ser7Gly).

NM_144631.6(ZNF513):c.19A>G (p.Ser7Gly)

Genes: ZNF513 (zinc finger protein 513; minus strand), LOC129933377 (ATAC-STARR-seq lymphoblastoid silent region 11297; plus strand). Cytogenetic location: 2p23.3.
Variant type: single nucleotide variant.
Coding change: c.19A>G on transcript NM_144631.6 (MANE Select); coding-DNA position 19, A replaced by G.
Protein change: p.Ser7Gly; replaces serine 7 with glycine.
Molecular consequence: missense variant.
Genome position (GRCh38, 1-based): chr2:27,380,508, T>C on the plus strand (A>G on the coding strand, the complement: ZNF513 is on the minus strand). VCF-style: chr2-27380508-T-C. GRCh37 (hg19) VCF-style: chr2-27603375-T-C.
Other names: short protein forms S7G.
Identifiers: ClinVar variation 2095171 (VCV002095171.4), dbSNP rs1363315913, ClinGen allele CA346220402.